The following is an entry in ClinVar:

NM_000180.4(GUCY2D):c.3005C>T (p.Thr1002Met)

Gene: GUCY2D (guanylate cyclase 2D, retinal; plus strand). Cytogenetic location: 17p13.1.
Variant type: single nucleotide variant.
Coding change: c.3005C>T on transcript NM_000180.4 (MANE Select); coding-DNA position 3005, C replaced by T.
Protein change: p.Thr1002Met; replaces threonine 1002 with methionine.
Molecular consequence: missense variant.
Genome position (GRCh38, 1-based): chr17:8,015,803, C>T. VCF-style: chr17-8015803-C-T. GRCh37 (hg19) VCF-style: chr17-7919121-C-T.
Other names: short protein forms T1002M.
Identifiers: ClinVar variation 1388692 (VCV001388692.6), dbSNP rs1462685344, ClinGen allele CA397955318.
Genomic context (GRCh38, chr17:8,015,803, plus strand): 5'-GTCCATGCGTGGCAGGCGTGGTGGGCCTCACCATGCCGCGGTACTGCCTGTTTGGGGACA[C>T]GGTCAACACCGCCTCGCGCATGGAGTCCACCGGGCTGCGTGAGTGTGACGGGGACAAGAC-3'
Protein context (NP_000171.1, residues 992-1012): TMPRYCLFGD[Thr1002Met]VNTASRMEST

ClinVar aggregate classification (germline): Uncertain significance (1 of 4 stars; one submission).

Conditions:
Cone-rod dystrophy 6 (CORD6). Also called: RETINAL CONE DYSTROPHY 2; Cone dystrophy progressive. Identifiers: Orphanet 1872, MedGen C1866293, MONDO:0011143, OMIM 601777.
Leber congenital amaurosis 1 (LCA1). Also called: AMAUROSIS CONGENITA OF LEBER I; Congenital absence of the rods and cones; Leber's congenital tapetoretinal degeneration; Leber's congenital tapetoretinal dysplasia; RETINAL BLINDNESS, CONGENITAL. Identifiers: Orphanet 65, MedGen C2931258, MONDO:0008764, OMIM 204000.

gnomAD v4.1: 1 of 1,612,632 alleles (0.000062%); highest among the groups gnomAD compares: Non-Finnish European, 0.000085%; no homozygotes.

Submission:

Labcorp Genetics (formerly Invitae), Labcorp
Classification: Uncertain significance for Leber congenital amaurosis 1; Cone-rod dystrophy 6. Last evaluated: 2021-10-22. Review status: criteria provided, single submitter. Criteria: Invitae Variant Classification Sherloc (09022015). Collection method: clinical testing. Allele origin: germline.
Comment: In summary, the available evidence is currently insufficient to determine the role of this variant in disease. Therefore, it has been classified as a Variant of Uncertain Significance. Advanced modeling of protein sequence and biophysical properties (such as structural, functional, and spatial information, amino acid conservation, physicochemical variation, residue mobility, and thermodynamic stability) performed at Invitae indicates that this missense variant is expected to disrupt GUCY2D protein function. This variant has not been reported in the literature in individuals affected with GUCY2D-related conditions. This variant is not present in population databases (ExAC no frequency). This sequence change replaces threonine with methionine at codon 1002 of the GUCY2D protein (p.Thr1002Met). The threonine residue is highly conserved and there is a moderate physicochemical difference between threonine and methionine.